The following is an entry in ClinVar:

ClinVar aggregate classification (germline): Uncertain significance. Review status: criteria provided, multiple submitters, no conflicts (2 of 4 stars). 2 submissions from 2 submitters: Uncertain significance (2). Last evaluated 2024-11-28.

Conditions:
Progressive myoclonic epilepsy type 5. Identifiers: Orphanet 402082, MedGen C5190799.

Allele frequency attached by ClinVar (database versions not stated): ESP Exome Variant Server 0.00008; gnomAD exomes below 0.00001; ExAC 0.00001; gnomAD 0.00003; TOPMed 0.00003.
gnomAD v4.1: 5 of 1,601,024 alleles (0.00031%); highest among the groups gnomAD compares: African/African-American, 0.0067%; no homozygotes.

Submissions (2):

Ambry Genetics
Classification: Uncertain significance. Last evaluated: 2024-11-28. Review status: criteria provided, single submitter. Criteria: Ambry Variant Classification Scheme 2023. Collection method: clinical testing. Allele origin: germline.

Labcorp Genetics (formerly Invitae), Labcorp
Classification: Uncertain significance for Progressive myoclonic epilepsy type 5. Last evaluated: 2023-06-05. Review status: criteria provided, single submitter. Criteria: Invitae Variant Classification Sherloc (09022015). Collection method: clinical testing. Allele origin: germline.
Comment: This sequence change replaces glutamine, which is neutral and polar, with histidine, which is basic and polar, at codon 729 of the PRICKLE2 protein (p.Gln729His). This variant is present in population databases (rs142077804, gnomAD 0.008%). This variant has not been reported in the literature in individuals affected with PRICKLE2-related conditions. ClinVar contains an entry for this variant (Variation ID: 1512175). Advanced modeling of protein sequence and biophysical properties (such as structural, functional, and spatial information, amino acid conservation, physicochemical variation, residue mobility, and thermodynamic stability) performed at Invitae indicates that this missense variant is not expected to disrupt PRICKLE2 protein function. In summary, the available evidence is currently insufficient to determine the role of this variant in disease. Therefore, it has been classified as a Variant of Uncertain Significance.

NM_198859.4(PRICKLE2):c.2187G>C (p.Gln729His)

Genes: PRICKLE2 (prickle planar cell polarity protein 2; minus strand), PRICKLE2-AS1 (PRICKLE2 antisense RNA 1; plus strand). Cytogenetic location: 3p14.1.
Variant type: single nucleotide variant.
Coding change: c.2187G>C on transcript NM_198859.4 (MANE Select); coding-DNA position 2187, G replaced by C.
Protein change: p.Gln729His; replaces glutamine 729 with histidine.
Molecular consequence: missense variant. On other transcripts: non-coding transcript variant (1).
Genome position (GRCh38, 1-based): chr3:64,099,399, C>G on the plus strand (G>C on the coding strand, the complement: PRICKLE2 is on the minus strand). VCF-style: chr3-64099399-C-G. GRCh37 (hg19) VCF-style: chr3-64085075-C-G.
Other names: c.2187G>C (NM_198859.3); c.2187G>C, p.Gln729His (NM_001370528.1); short protein forms Q729H.
Identifiers: ClinVar variation 1512175 (VCV001512175.9), dbSNP rs142077804, ClinGen allele CA2479479.